The following is an entry in ClinVar:

ClinVar aggregate classification (germline): Pathogenic (1 of 4 stars; one submission).

Conditions:
Peutz-Jeghers syndrome (PJS). Also called: Peutz-Jeghers polyposis; Periorificial lentiginosis syndrome; POLYPOSIS, HAMARTOMATOUS INTESTINAL; POLYPS-AND-SPOTS SYNDROME. Identifiers: Orphanet 2869, MedGen C0031269, MeSH D010580, MONDO:0008280, OMIM 175200.

Submission:

Labcorp Genetics (formerly Invitae), Labcorp
Classification: Pathogenic for Peutz-Jeghers syndrome. Last evaluated: 2019-03-18. Review status: criteria provided, single submitter. Criteria: Invitae Variant Classification Sherloc (09022015). Collection method: clinical testing. Allele origin: germline.
Comment: This sequence change affects an acceptor splice site in intron 1 of the STK11 gene. It is expected to disrupt RNA splicing and likely results in an absent or disrupted protein product. This variant is not present in population databases (ExAC no frequency). Disruption of this splice site has been observed in several individuals affected with Peutz-Jeghers syndrome (PMID: 10780518, 10408777, 23240097). For these reasons, this variant has been classified as Pathogenic. Donor and acceptor splice site variants typically lead to a loss of protein function (PMID: 16199547), and loss-of-function variants in STK11 are known to be pathogenic (PMID: 15188174, 16287113). Algorithms developed to predict the effect of sequence changes on RNA splicing suggest that this variant may disrupt the consensus splice site, but this prediction has not been confirmed by published transcriptional studies.

Literature cited by the submitters: PubMed 10780518; PubMed 10408777; PubMed 23240097; PubMed 16199547; PubMed 15188174; PubMed 16287113.

NM_000455.5(STK11):c.291-2A>C

Gene: STK11 (serine/threonine kinase 11; plus strand). Cytogenetic location: 19p13.3.
Variant type: single nucleotide variant.
Coding change: c.291-2A>C on transcript NM_000455.5 (MANE Select); the canonical splice acceptor site of the intron before coding-DNA position 291, A replaced by C.
Molecular consequence: splice acceptor variant.
Genome position (GRCh38, 1-based): chr19:1,218,415, A>C. VCF-style: chr19-1218415-A-C. GRCh37 (hg19) VCF-style: chr19-1218414-A-C.
Other names: c.291-2A>C (NM_001407255.1).
Identifiers: ClinVar variation 836771 (VCV000836771.10), dbSNP rs876658584, ClinGen allele CA402947612.